The following is an entry in ClinVar:

ClinVar aggregate classification (germline): Pathogenic (1 of 4 stars; one submission).

Conditions:
Asphyxiating thoracic dystrophy 5 (SRTD5). Also called: SHORT-RIB THORACIC DYSPLASIA 5 WITH OR WITHOUT POLYDACTYLY; SHORT-RIB THORACIC DYSPLASIA 5 WITHOUT POLYDACTYLY. Identifiers: Orphanet 474, MedGen C3280598, MONDO:0013717, OMIM 614376.
Senior-Loken syndrome 8 (SLSN8). Identifiers: Orphanet 3156, MedGen C4225376, MONDO:0014579, OMIM 616307.

Submission:

Labcorp Genetics (formerly Invitae), Labcorp
Classification: Pathogenic for Senior-Loken syndrome 8; Asphyxiating thoracic dystrophy 5. Last evaluated: 2024-07-31. Review status: criteria provided, single submitter. Criteria: Invitae Variant Classification Sherloc (09022015). Collection method: clinical testing. Allele origin: germline.
Comment: This sequence change creates a premature translational stop signal (p.Arg1174Serfs*27) in the WDR19 gene. It is expected to result in an absent or disrupted protein product. Loss-of-function variants in WDR19 are known to be pathogenic (PMID: 22019273, 23559409, 23683095, 26275793, 27241786, 29068549). This variant is not present in population databases (gnomAD no frequency). This variant has not been reported in the literature in individuals affected with WDR19-related conditions. For these reasons, this variant has been classified as Pathogenic.

Literature cited by the submitters: PubMed 22019273; PubMed 23559409; PubMed 23683095; PubMed 26275793; PubMed 27241786; PubMed 29068549.

NM_025132.4(WDR19):c.3519dup (p.Arg1174fs)

Gene: WDR19 (WD repeat domain 19; plus strand). Cytogenetic location: 4p14.
Variant type: Duplication.
Coding change: c.3519dup on transcript NM_025132.4 (MANE Select); coding-DNA position 3519, one base duplicated (T; older notation c.3519dupT).
Protein change: p.Arg1174fs; shifts the reading frame from arginine 1174.
Molecular consequence: frameshift variant.
Genome position (GRCh38, 1-based): chr4:39,273,015, T duplicated. VCF-style (leftmost placement, unchanged base first): chr4-39273014-C-CT. GRCh37 (hg19) VCF-style: chr4-39274634-C-CT.
Other names: c.3039dup, p.Arg1014fs (NM_001317924.2); short protein forms R1014fs, R1174fs.
Identifiers: ClinVar variation 3757484 (VCV003757484.2).